The following is an entry in ClinVar:

NM_005445.4(SMC3):c.3302C>T (p.Ser1101Leu)

Gene: SMC3 (structural maintenance of chromosomes 3; plus strand). Cytogenetic location: 10q25.2.
Variant type: single nucleotide variant.
Coding change: c.3302C>T on transcript NM_005445.4 (MANE Select); coding-DNA position 3302, C replaced by T.
Protein change: p.Ser1101Leu; replaces serine 1101 with leucine.
Molecular consequence: missense variant.
Genome position (GRCh38, 1-based): chr10:110,602,829, C>T. VCF-style: chr10-110602829-C-T. GRCh37 (hg19) VCF-style: chr10-112362587-C-T.
Other names: short protein forms S1101L.
Identifiers: ClinVar variation 4747145 (VCV004747145.1).

ClinVar aggregate classification (germline): Uncertain significance (1 of 4 stars; one submission).

Conditions:
Cornelia de Lange syndrome 3 (CDLS3). Also called: SMC3-Related Cornelia de Lange Syndrome; CORNELIA DE LANGE SYNDROME 3 WITH OR WITHOUT MIDLINE BRAIN DEFECTS. Identifiers: Orphanet 199, MedGen C1853099, MONDO:0012555, OMIM 610759.

Submission:

Labcorp Genetics (formerly Invitae), Labcorp
Classification: Uncertain significance for Cornelia de Lange syndrome 3. Last evaluated: 2025-10-08. Review status: criteria provided, single submitter. Criteria: Invitae Variant Classification Sherloc (09022015). Collection method: clinical testing. Allele origin: germline.
Comment: This sequence change replaces serine, which is neutral and polar, with leucine, which is neutral and non-polar, at codon 1101 of the SMC3 protein (p.Ser1101Leu). This variant is not present in population databases (gnomAD no frequency). This variant has not been reported in the literature in individuals affected with SMC3-related conditions. Invitae Evidence Modeling of protein sequence and biophysical properties (such as structural, functional, and spatial information, amino acid conservation, physicochemical variation, residue mobility, and thermodynamic stability) indicates that this missense variant is expected to disrupt SMC3 protein function with a positive predictive value of 95%. In summary, the available evidence is currently insufficient to determine the role of this variant in disease. Therefore, it has been classified as a Variant of Uncertain Significance.